The following is an entry in ClinVar:

ClinVar aggregate classification (germline): Benign (1 of 4 stars; one submission).

Conditions:
Neuronal ceroid lipofuscinosis 2. Also called: TPP1-Related Neuronal Ceroid-Lipofuscinosis; JANSKY-BIELSCHOWSKY DISEASE NEURONAL CEROID LIPOFUSCINOSIS, LATE INFANTILE. Identifiers: Orphanet 168491, Orphanet 228349, Orphanet 79264, MedGen C1876161, MONDO:0008769, OMIM 204500.

Allele frequency attached by ClinVar (database versions not stated): gnomAD 0.00029 and 0.00051; TOPMed 0.00047; gnomAD exomes 0.00180; 1000 Genomes Project 30x 0.00312; 1000 Genomes Project 0.00359.
gnomAD v4.1: 818 of 582,624 alleles (0.14%); highest among the groups gnomAD compares: East Asian, 2.3%; 11 homozygotes.

Submission:

Illumina Laboratory Services, Illumina
Classification: Benign for Neuronal ceroid lipofuscinosis 2. Last evaluated: 2017-04-27. Review status: criteria provided, single submitter. Criteria: ICSL Variant Classification Criteria 13 December 2019. Collection method: clinical testing. Allele origin: germline.
Comment: This variant was observed as part of a predisposition screen in an ostensibly healthy population. A literature search was performed for the gene, cDNA change, and amino acid change (where applicable). No publications were found based on this search. Allele frequency data from public databases was too high to be consistent with this variant causing disease. Therefore, this variant is classified as benign.

NM_000391.4(TPP1):c.*241T>C

Gene: TPP1 (tripeptidyl peptidase 1; minus strand). Cytogenetic location: 11p15.4.
Variant type: single nucleotide variant.
Coding change: c.*241T>C on transcript NM_000391.4 (MANE Select); 241 bases downstream of the stop codon, T replaced by C.
Molecular consequence: 3 prime UTR variant.
Genome position (GRCh38, 1-based): chr11:6,614,305, A>G on the plus strand (T>C on the coding strand, the complement: TPP1 is on the minus strand). VCF-style: chr11-6614305-A-G. GRCh37 (hg19) VCF-style: chr11-6635536-A-G.
Identifiers: ClinVar variation 877571 (VCV000877571.4), dbSNP rs74843914, ClinGen allele CA217320611.
Genomic context (GRCh38, chr11:6,614,305, plus strand): 5'-AACCCTTTGGAAAAGCCTGATTGAAAAGAGAAAGATGAGATGCGGAGGGAGAGGCATTCA[A>G]AAAATGCTAGTTACAGCATCTTATTGAGGAATCTAAGGCAGGAGTAGGGAGACCTGAGTA-3'